The following is an entry in ClinVar:

ClinVar aggregate classification (germline): Uncertain significance (1 of 4 stars; one submission).

Allele frequency attached by ClinVar (database versions not stated): gnomAD exomes below 0.00001.
gnomAD v4.1: 1 of 1,613,274 alleles (0.000062%); highest among the groups gnomAD compares: Non-Finnish European, 0.000085%; no homozygotes.

Submission:

Labcorp Genetics (formerly Invitae), Labcorp
Classification: Uncertain significance. Last evaluated: 2024-09-23. Review status: criteria provided, single submitter. Criteria: Invitae Variant Classification Sherloc (09022015). Collection method: clinical testing. Allele origin: germline.
Comment: This sequence change falls in intron 27 of the LTBP2 gene. It does not directly change the encoded amino acid sequence of the LTBP2 protein. It affects a nucleotide within the consensus splice site. This variant is present in population databases (no rsID available, gnomAD 0.0009%). This variant has not been reported in the literature in individuals affected with LTBP2-related conditions. ClinVar contains an entry for this variant (Variation ID: 1959931). Variants that disrupt the consensus splice site are a relatively common cause of aberrant splicing (PMID: 17576681, 9536098). Algorithms developed to predict the effect of sequence changes on RNA splicing suggest that this variant is not likely to affect RNA splicing. In summary, the available evidence is currently insufficient to determine the role of this variant in disease. Therefore, it has been classified as a Variant of Uncertain Significance.

Literature cited by the submitters: PubMed 17576681; PubMed 9536098.

NM_000428.3(LTBP2):c.4033+3G>A

Gene: LTBP2 (latent transforming growth factor beta binding protein 2; minus strand). Cytogenetic location: 14q24.3.
Variant type: single nucleotide variant.
Coding change: c.4033+3G>A on transcript NM_000428.3 (MANE Select); 3 bases into the intron after coding-DNA position 4033, G replaced by A.
Molecular consequence: intron variant.
Genome position (GRCh38, 1-based): chr14:74,506,695, C>T on the plus strand (G>A on the coding strand, the complement: LTBP2 is on the minus strand). VCF-style: chr14-74506695-C-T. GRCh37 (hg19) VCF-style: chr14-74973398-C-T.
Identifiers: ClinVar variation 1959931 (VCV001959931.4), dbSNP rs1379013287, ClinGen allele CA615193166.